The following is an entry in ClinVar:

ClinVar aggregate classification (germline): Pathogenic (1 of 4 stars; one submission).

Conditions:
TP63-Related Spectrum Disorders.

Submission:

Labcorp Genetics (formerly Invitae), Labcorp
Classification: Pathogenic. Last evaluated: 2024-04-22. Review status: criteria provided, single submitter. Criteria: Invitae Variant Classification Sherloc (09022015). Collection method: clinical testing. Allele origin: germline.
Comment: This sequence change results in a frameshift in the TP63 gene (p.Arg618Glyfs*86). While this is not anticipated to result in nonsense mediated decay, it is expected to disrupt the last 63 amino acid(s) of the TP63 protein and extend the protein by 22 additional amino acid residues. This variant is not present in population databases (gnomAD no frequency). This variant has not been reported in the literature in individuals affected with TP63-related conditions. This variant disrupts a region of the TP63 protein in which other variant(s) (p.Gln673*) have been determined to be pathogenic (PMID: 11462173, 21652629). This suggests that this is a clinically significant region of the protein, and that variants that disrupt it are likely to be disease-causing. For these reasons, this variant has been classified as Pathogenic.

Literature cited by the submitters: PubMed 11462173; PubMed 21652629.

NM_003722.5(TP63):c.1851del (p.Arg618fs)

Gene: TP63 (tumor protein p63; plus strand). Cytogenetic location: 3q28.
Variant type: Deletion.
Coding change: c.1851del on transcript NM_003722.5 (MANE Select); coding-DNA position 1851, one base deleted (G; older notation c.1851delG).
Protein change: p.Arg618fs; shifts the reading frame from arginine 618.
Molecular consequence: frameshift variant. On other transcripts: 3 prime UTR variant (6).
Genome position (GRCh38, 1-based): chr3:189,894,310, G deleted. VCF-style (leftmost placement, unchanged base first): chr3-189894309-TG-T. GRCh37 (hg19) VCF-style: chr3-189612098-TG-T.
Other names: c.*89del (NM_001114978.2, NM_001114981.2); c.1569del, p.Arg524fs (NM_001114980.2); c.*79del (NM_001329144.2, NM_001329145.2, NM_001329149.2 and 1 more transcripts); c.1314del, p.Arg439fs (NM_001329146.2); c.1839del, p.Arg614fs (NM_001329148.2); c.1845del, p.Arg616fs (NM_001329964.2); short protein forms R524fs, R616fs, R614fs, R439fs, R618fs.
Identifiers: ClinVar variation 3650569 (VCV003650569.1).
Genomic context (GRCh38, chr3:189,894,309, plus strand): 5'-TCTGGAAGGGCATCCTGGACCACCGGCAGCTCCACGAATTCTCCTCCCCTTCTCATCTCC[TG>T]CGGACCCCAAGCAGTGCCTCTACAGTCAGTGTGGGCTCCAGTGAGACCCGGGGTGAGCGT-3'